The following is an entry in ClinVar:

NM_001365951.3(KIF1B):c.4222T>C (p.Phe1408Leu)

Gene: KIF1B (kinesin family member 1B; plus strand). Cytogenetic location: 1p36.22.
Variant type: single nucleotide variant.
Coding change: c.4222T>C on transcript NM_001365951.3 (MANE Select); coding-DNA position 4222, T replaced by C.
Protein change: p.Phe1408Leu; replaces phenylalanine 1408 with leucine.
Molecular consequence: missense variant.
Genome position (GRCh38, 1-based): chr1:10,361,743, T>C. VCF-style: chr1-10361743-T-C. GRCh37 (hg19) VCF-style: chr1-10421801-T-C.
Other names: c.4222T>C, p.Phe1408Leu (NM_001365952.1); c.4084T>C, p.Phe1362Leu (NM_015074.3); short protein forms F1362L, F1408L.
Identifiers: ClinVar variation 2497123 (VCV002497123.2), dbSNP rs1374873418, ClinGen allele CA338317423.

ClinVar aggregate classification (germline): Uncertain significance (1 of 4 stars; one submission).

Allele frequency attached by ClinVar (database versions not stated): TOPMed 0.00002.

Submission:

Ambry Genetics
Classification: Uncertain significance. Last evaluated: 2022-12-21. Review status: criteria provided, single submitter. Criteria: Ambry Variant Classification Scheme 2023. Collection method: clinical testing. Allele origin: germline.
Comment: The p.F1362L variant (also known as c.4084T>C), located in coding exon 37 of the KIF1B gene, results from a T to C substitution at nucleotide position 4084. The phenylalanine at codon 1362 is replaced by leucine, an amino acid with highly similar properties. This amino acid position is conserved. In addition, this alteration is predicted to be deleterious by in silico analysis. Since supporting evidence is limited at this time, the clinical significance of this alteration remains unclear.